The following is an entry in ClinVar:

NM_001040142.2(SCN2A):c.3820T>C (p.Trp1274Arg)

Gene: SCN2A (sodium voltage-gated channel alpha subunit 2; plus strand). Cytogenetic location: 2q24.3.
Variant type: single nucleotide variant.
Coding change: c.3820T>C on transcript NM_001040142.2 (MANE Select); coding-DNA position 3820, T replaced by C.
Protein change: p.Trp1274Arg; replaces tryptophan 1274 with arginine.
Molecular consequence: missense variant.
Genome position (GRCh38, 1-based): chr2:165,370,270, T>C. VCF-style: chr2-165370270-T-C. GRCh37 (hg19) VCF-style: chr2-166226780-T-C.
Other names: c.3820T>C, p.Trp1274Arg (NM_001040143.2, NM_001371246.1, NM_001371247.1 and 1 more transcripts); short protein forms W1274R.
Identifiers: ClinVar variation 947512 (VCV000947512.10), dbSNP rs1700957249, ClinGen allele CA349028362.

ClinVar aggregate classification (germline): Uncertain significance (1 of 4 stars; one submission).

Conditions:
Developmental and epileptic encephalopathy, 11 (DEE11). Also called: Early infantile epileptic encephalopathy 11. Identifiers: Orphanet 1934, MedGen C3150987, MONDO:0013388, OMIM 613721.
Seizures, benign familial infantile, 3 (BFIS3). Also called: Familial neonatal seizures; CONVULSIONS, BENIGN FAMILIAL INFANTILE, 3. Identifiers: Orphanet 140927, Orphanet 306, MedGen C1843140, MONDO:0011904, OMIM 607745.

Submission:

Labcorp Genetics (formerly Invitae), Labcorp
Classification: Uncertain significance for Seizures, benign familial infantile, 3; Developmental and epileptic encephalopathy, 11. Last evaluated: 2025-02-24. Review status: criteria provided, single submitter. Criteria: Invitae Variant Classification Sherloc (09022015). Collection method: clinical testing. Allele origin: germline.
Comment: This sequence change replaces tryptophan, which is neutral and slightly polar, with arginine, which is basic and polar, at codon 1274 of the SCN2A protein (p.Trp1274Arg). This variant is not present in population databases (gnomAD no frequency). This variant has not been reported in the literature in individuals affected with SCN2A-related conditions. ClinVar contains an entry for this variant (Variation ID: 947512). Invitae Evidence Modeling of protein sequence and biophysical properties (such as structural, functional, and spatial information, amino acid conservation, physicochemical variation, residue mobility, and thermodynamic stability) indicates that this missense variant is expected to disrupt SCN2A protein function with a positive predictive value of 95%. In summary, the available evidence is currently insufficient to determine the role of this variant in disease. Therefore, it has been classified as a Variant of Uncertain Significance.